The following is an entry in ClinVar:

NM_006031.6(PCNT):c.6943dup (p.Ile2315fs)

Gene: PCNT (pericentrin; plus strand). Cytogenetic location: 21q22.3.
Variant type: Duplication.
Coding change: c.6943dup on transcript NM_006031.6 (MANE Select); coding-DNA position 6943, one base duplicated (A; older notation c.6943dupA).
Protein change: p.Ile2315fs; shifts the reading frame from isoleucine 2315.
Molecular consequence: frameshift variant.
Genome position (GRCh38, 1-based): chr21:46,418,225, A duplicated. VCF-style (leftmost placement, unchanged base first): chr21-46418224-T-TA. GRCh37 (hg19) VCF-style: chr21-47838138-T-TA.
Other names: c.6589dup, p.Ile2197fs (NM_001315529.2); short protein forms I2197fs, I2315fs.
Identifiers: ClinVar variation 2760533 (VCV002760533.3), dbSNP rs2518847424, ClinGen allele CA2655024598.

ClinVar aggregate classification (germline): Pathogenic (1 of 4 stars; one submission).

Allele frequency attached by ClinVar (database versions not stated): gnomAD exomes below 0.00001.

Submission:

Labcorp Genetics (formerly Invitae), Labcorp
Classification: Pathogenic. Last evaluated: 2023-09-13. Review status: criteria provided, single submitter. Criteria: Invitae Variant Classification Sherloc (09022015). Collection method: clinical testing. Allele origin: germline.
Comment: This sequence change creates a premature translational stop signal (p.Ile2315Asnfs*6) in the PCNT gene. It is expected to result in an absent or disrupted protein product. Loss-of-function variants in PCNT are known to be pathogenic (PMID: 18174396, 22821869). This variant is not present in population databases (gnomAD no frequency). This variant has not been reported in the literature in individuals affected with PCNT-related conditions. For these reasons, this variant has been classified as Pathogenic.

Literature cited by the submitters: PubMed 18174396; PubMed 22821869.